The following is an entry in ClinVar:

ClinVar aggregate classification (germline): Pathogenic/Likely pathogenic. Review status: criteria provided, multiple submitters, no conflicts (2 of 4 stars). 2 submissions from 2 submitters: Pathogenic (1); Likely pathogenic (1). Last evaluated 2022-08-02.

Conditions:
Maturity-onset diabetes of the young type 3. Also called: MODY type 3; MODY, type III. Identifiers: Orphanet 552, MedGen C1838100, MeSH C563933, MONDO:0010894, OMIM 600496. Disease mechanism: loss of function.
HNF1A-related disorders.

Submissions (2):

Geisinger Clinic, Geisinger Health System
Classification: Pathogenic for Maturity-onset diabetes of the young type 3. Last evaluated: 2022-08-02. Review status: criteria provided, single submitter. Criteria: ACMG Guidelines, 2015. Collection method: research. Allele origin: germline. Inheritance: Autosomal dominant inheritance. Affected: yes. Observed: 1 variant allele.
Comment: PVS1, PM2

Blueprint Genetics
Classification: Likely pathogenic for HNF1A-related disorders. Last evaluated: 2021-06-21. Review status: criteria provided, single submitter. Criteria: ACMG Guidelines, 2015. Collection method: clinical testing. Allele origin: germline. Affected: yes. Observed: 1 variant allele.

Literature cited by the submitters: PubMed 36257325 (cited by Geisinger Clinic, Geisinger Health System).

NM_000545.8(HNF1A):c.1456del (p.Gln486fs)

Gene: HNF1A (HNF1 homeobox A; plus strand). Cytogenetic location: 12q24.31.
Variant type: Deletion.
Coding change: c.1456del on transcript NM_000545.8 (MANE Select); coding-DNA position 1456, one base deleted (C; older notation c.1456delC).
Protein change: p.Gln486fs; shifts the reading frame from glutamine 486.
Molecular consequence: frameshift variant.
Genome position (GRCh38, 1-based): chr12:120,997,620, C deleted; the last of 3 consecutive C bases (chr12:120,997,618-120,997,620); deleting any one gives the same sequence. VCF-style (leftmost placement, unchanged base first): chr12-120997617-AC-A. GRCh37 (hg19) VCF-style: chr12-121435420-AC-A.
Other names: c.1456del, p.Gln486fs (NM_001306179.2); short protein forms Q486fs.
Identifiers: ClinVar variation 1700665 (VCV001700665.3), dbSNP rs2500005524, ClinGen allele CA2575322102.